The following is an entry in ClinVar:

NM_015378.4(VPS13D):c.975T>C (p.Ala325=)

Gene: VPS13D (vacuolar protein sorting 13 homolog D; plus strand). Cytogenetic location: 1p36.22.
Variant type: single nucleotide variant.
Coding change: c.975T>C on transcript NM_015378.4 (MANE Select); coding-DNA position 975, T replaced by C.
Protein change: p.Ala325=; no amino-acid change (alanine 325 retained).
Molecular consequence: synonymous variant.
Genome position (GRCh38, 1-based): chr1:12,257,968, T>C. VCF-style: chr1-12257968-T-C. GRCh37 (hg19) VCF-style: chr1-12318025-T-C.
Other names: p.Ala325=; c.975T>C, p.Ala325= (NM_018156.4); c.975T>C (NM_015378.3).
Identifiers: ClinVar variation 1559676 (VCV001559676.12), dbSNP rs78067031, ClinGen allele CA601390.
Genomic context (GRCh38, chr1:12,257,968, plus strand): 5'-TGATTACATCGTTATGGACTATTTCAGCTGCCGAGAATGGTGGTATTTTGCTTTGAATGC[T>C]AACTTGTATGAGATCAGAGAGCAGAGGAAACGTTGCACCTGGGACTTTATGTTGCACCGC-3'
Protein context (NP_056193.2, residues 315-335): CREWWYFALN[Ala325=]NLYEIREQRK

ClinVar aggregate classification (germline): Benign/Likely benign. Review status: criteria provided, multiple submitters, no conflicts (2 of 4 stars). 4 submissions from 4 submitters: Benign (2); Likely benign (1). 1 of the submissions does not count toward it. Last evaluated 2025-11-29.

Conditions:
VPS13D-related disorder. Also called: VPS13D-related condition.

Allele frequency attached by ClinVar (database versions not stated): gnomAD exomes 0.00030 and 0.00097; ExAC 0.00108; gnomAD 0.00345 and 0.00379; TOPMed 0.00407; 1000 Genomes Project 0.00439; 1000 Genomes Project 30x 0.00468; ESP Exome Variant Server 0.00492.
gnomAD v4.1: 982 of 1,614,244 alleles (0.061%); highest among the groups gnomAD compares: African/African-American, 1.1%; 3 homozygotes.

Submissions (4):

Labcorp Genetics (formerly Invitae), Labcorp
Classification: Benign. Last evaluated: 2025-11-29. Review status: criteria provided, single submitter. Criteria: Invitae Variant Classification Sherloc (09022015). Collection method: clinical testing. Allele origin: germline.

Mayo Clinic Laboratories, Mayo Clinic
Classification: Benign. Last evaluated: 2025-03-17. Review status: criteria provided, single submitter. Criteria: ACMG Guidelines, 2015. Collection method: clinical testing. Allele origin: germline. Observed: 2 variant alleles.
Comment: BA1, BP4, BP7

Blueprint Genetics
Classification: Likely benign. Last evaluated: 2024-11-26. Review status: criteria provided, single submitter. Criteria: ACMG Guidelines, 2015. Collection method: clinical testing. Allele origin: germline.

PreventionGenetics, part of Exact Sciences
Classification: Benign for VPS13D-related condition. Last evaluated: 2019-06-06. Review status: no assertion criteria provided. Collection method: clinical testing. Allele origin: germline. Not counted in ClinVar's aggregate classification.
Comment: This variant is classified as benign based on ACMG/AMP sequence variant interpretation guidelines (Richards et al. 2015 PMID: 25741868, with internal and published modifications).